The following is an entry in ClinVar:

ClinVar aggregate classification (germline): Conflicting classifications of pathogenicity. Review status: criteria provided, conflicting classifications (1 of 4 stars). 2 submissions from 2 submitters: Uncertain significance (1); Likely benign (1). Last evaluated 2024-09-09.

Conditions:
Inborn genetic diseases. Identifiers: MedGen C0950123, MeSH D030342.

Allele frequency attached by ClinVar (database versions not stated): gnomAD 0.00001; gnomAD exomes 0.00001; ExAC 0.00002.
gnomAD v4.1: 5 of 1,613,948 alleles (0.00031%); highest among the groups gnomAD compares: Admixed American, 0.0017%; no homozygotes.

Submissions (2):

Ambry Genetics
Classification: Likely benign for Inborn genetic diseases. Last evaluated: 2024-09-09. Review status: criteria provided, single submitter. Criteria: Ambry Variant Classification Scheme 2023. Collection method: clinical testing. Allele origin: germline.

Labcorp Genetics (formerly Invitae), Labcorp
Classification: Uncertain significance. Last evaluated: 2023-07-28. Review status: criteria provided, single submitter. Criteria: Invitae Variant Classification Sherloc (09022015). Collection method: clinical testing. Allele origin: germline.
Comment: This sequence change replaces isoleucine, which is neutral and non-polar, with valine, which is neutral and non-polar, at codon 545 of the RP1 protein (p.Ile545Val). In summary, the available evidence is currently insufficient to determine the role of this variant in disease. Therefore, it has been classified as a Variant of Uncertain Significance. Algorithms developed to predict the effect of missense changes on protein structure and function output the following: SIFT: "Not Available"; PolyPhen-2: "Benign"; Align-GVGD: "Not Available". The valine amino acid residue is found in multiple mammalian species, which suggests that this missense change does not adversely affect protein function. ClinVar contains an entry for this variant (Variation ID: 1494028). This variant has not been reported in the literature in individuals affected with RP1-related conditions. This variant is present in population databases (rs759656065, gnomAD 0.006%).

NM_006269.2(RP1):c.1633A>G (p.Ile545Val)

Gene: RP1 (RP1 axonemal microtubule associated; plus strand). Cytogenetic location: 8q12.1.
Variant type: single nucleotide variant.
Coding change: c.1633A>G on transcript NM_006269.2 (MANE Select); coding-DNA position 1633, A replaced by G.
Protein change: p.Ile545Val; replaces isoleucine 545 with valine.
Molecular consequence: missense variant. On other transcripts: intron variant (1).
Genome position (GRCh38, 1-based): chr8:54,625,515, A>G. VCF-style: chr8-54625515-A-G. GRCh37 (hg19) VCF-style: chr8-55538075-A-G.
Other names: c.787+3227A>G (NM_001375654.1); c.1633A>G (NM_006269.1); short protein forms I545V.
Identifiers: ClinVar variation 1494028 (VCV001494028.9), dbSNP rs759656065, ClinGen allele CA4751412.